The following is an entry in ClinVar:

ClinVar aggregate classification (germline): Uncertain significance (1 of 4 stars; one submission).

Conditions:
Emery-Dreifuss muscular dystrophy 5, autosomal dominant (EDMD5). Also called: EMERY-DREIFUSS MUSCULAR DYSTROPHY 5. Identifiers: Orphanet 261, MedGen C2751805, MONDO:0013072, OMIM 612999.

Submission:

Labcorp Genetics (formerly Invitae), Labcorp
Classification: Uncertain significance for Emery-Dreifuss muscular dystrophy 5, autosomal dominant. Last evaluated: 2021-10-28. Review status: criteria provided, single submitter. Criteria: Invitae Variant Classification Sherloc (09022015). Collection method: clinical testing. Allele origin: germline.
Comment: In summary, the available evidence is currently insufficient to determine the role of this variant in disease. Therefore, it has been classified as a Variant of Uncertain Significance. Algorithms developed to predict the effect of missense changes on protein structure and function are either unavailable or do not agree on the potential impact of this missense change (SIFT: "Tolerated"; PolyPhen-2: "Probably Damaging"; Align-GVGD: "Class C0"). This variant has not been reported in the literature in individuals affected with SYNE2-related conditions. This variant is not present in population databases (gnomAD no frequency). This sequence change replaces histidine, which is basic and polar, with leucine, which is neutral and non-polar, at codon 2251 of the SYNE2 protein (p.His2251Leu).

NM_182914.3(SYNE2):c.6752A>T (p.His2251Leu)

Gene: SYNE2 (spectrin repeat containing nuclear envelope protein 2; plus strand). Cytogenetic location: 14q23.2.
Variant type: single nucleotide variant.
Coding change: c.6752A>T on transcript NM_182914.3 (MANE Select); coding-DNA position 6752, A replaced by T.
Protein change: p.His2251Leu; replaces histidine 2251 with leucine.
Molecular consequence: missense variant.
Genome position (GRCh38, 1-based): chr14:64,029,932, A>T. VCF-style: chr14-64029932-A-T. GRCh37 (hg19) VCF-style: chr14-64496650-A-T.
Other names: c.6752A>T, p.His2251Leu (NM_015180.6); short protein forms H2251L.
Identifiers: ClinVar variation 1389861 (VCV001389861.6), dbSNP rs2153543846, ClinGen allele CA389950954.